The following is an entry in ClinVar:

NM_001206744.2(TPO):c.2541G>A (p.Val847=)

Genes: LALTOP (lung cancer associated lncRNA targeting TOP2A; minus strand), TPO (thyroid peroxidase; plus strand). Cytogenetic location: 2p25.3.
Variant type: single nucleotide variant.
Coding change: c.2541G>A on transcript NM_001206744.2 (MANE Select); coding-DNA position 2541, G replaced by A.
Protein change: p.Val847=; no amino-acid change (valine 847 retained).
Molecular consequence: synonymous variant.
Genome position (GRCh38, 1-based): chr2:1,516,905, G>A. VCF-style: chr2-1516905-G-A. GRCh37 (hg19) VCF-style: chr2-1520677-G-A.
Other names: c.2541G>A, p.Val847= (NM_000547.6); c.2370G>A, p.Val790= (NM_001206745.2, NM_175719.4); c.2409G>A, p.Val803= (NM_175721.3); c.2022G>A, p.Val674= (NM_175722.3).
Identifiers: ClinVar variation 719626 (VCV000719626.5), dbSNP rs61734476, ClinGen allele CA1512183.

ClinVar aggregate classification (germline): Benign. Review status: criteria provided, single submitter (1 of 4 stars). 2 submissions from 2 submitters: Benign (1). 1 of the submissions does not count toward it. Last evaluated 2018-05-21.

Conditions:
TPO-related disorder. Also called: TPO-related condition.

Allele frequency attached by ClinVar (database versions not stated): gnomAD exomes 0.00017 and 0.00039; ExAC 0.00053; TOPMed 0.00193; ESP Exome Variant Server 0.00123; gnomAD 0.00171 and 0.00183; 1000 Genomes Project 30x 0.00187; 1000 Genomes Project 0.00160.
gnomAD v4.1: 511 of 1,613,948 alleles (0.032%); highest among the groups gnomAD compares: African/African-American, 0.62%; 2 homozygotes.

Submissions (2):

Labcorp Genetics (formerly Invitae), Labcorp
Classification: Benign. Last evaluated: 2018-05-21. Review status: criteria provided, single submitter. Criteria: Invitae Variant Classification Sherloc (09022015). Collection method: clinical testing. Allele origin: germline.

PreventionGenetics, part of Exact Sciences
Classification: Likely benign for TPO-related condition. Last evaluated: 2019-07-12. Review status: no assertion criteria provided. Collection method: clinical testing. Allele origin: germline. Not counted in ClinVar's aggregate classification.
Comment: This variant is classified as likely benign based on ACMG/AMP sequence variant interpretation guidelines (Richards et al. 2015 PMID: 25741868, with internal and published modifications).